The following is an entry in ClinVar:

NM_022367.4(SEMA4A):c.185A>G (p.Gln62Arg)

Gene: SEMA4A (semaphorin 4A; plus strand). Cytogenetic location: 1q22.
Variant type: single nucleotide variant.
Coding change: c.185A>G on transcript NM_022367.4 (MANE Select); coding-DNA position 185, A replaced by G.
Protein change: p.Gln62Arg; replaces glutamine 62 with arginine.
Molecular consequence: missense variant. On other transcripts: 5 prime UTR variant (4).
Genome position (GRCh38, 1-based): chr1:156,156,459, A>G. VCF-style: chr1-156156459-A-G. GRCh37 (hg19) VCF-style: chr1-156126250-A-G.
Other names: c.185A>G, p.Gln62Arg (NM_001193300.2, NM_001193301.2, NM_001370567.1); c.-113A>G (NM_001193302.2, NM_001370568.1); c.-340A>G (NM_001370569.1, NM_001370571.1); short protein forms Q62R.
Identifiers: ClinVar variation 2729207 (VCV002729207.3), dbSNP rs1653038390, ClinGen allele CA342834552.

ClinVar aggregate classification (germline): Uncertain significance (1 of 4 stars; one submission).

Allele frequency attached by ClinVar (database versions not stated): gnomAD 0.00001; gnomAD exomes 0.00002.

Submission:

Labcorp Genetics (formerly Invitae), Labcorp
Classification: Uncertain significance. Last evaluated: 2026-01-08. Review status: criteria provided, single submitter. Criteria: Invitae Variant Classification Sherloc (09022015). Collection method: clinical testing. Allele origin: germline.
Comment: This sequence change replaces glutamine, which is neutral and polar, with arginine, which is basic and polar, at codon 62 of the SEMA4A protein (p.Gln62Arg). This variant is not present in population databases (gnomAD no frequency). This variant has not been reported in the literature in individuals affected with SEMA4A-related conditions. ClinVar contains an entry for this variant (Variation ID: 2729207). Invitae Evidence Modeling of protein sequence and biophysical properties (such as structural, functional, and spatial information, amino acid conservation, physicochemical variation, residue mobility, and thermodynamic stability) indicates that this missense variant is not expected to disrupt SEMA4A protein function with a negative predictive value of 80%. In summary, the available evidence is currently insufficient to determine the role of this variant in disease. Therefore, it has been classified as a Variant of Uncertain Significance.